The following is an entry in ClinVar:

ClinVar aggregate classification (germline): Uncertain significance. Review status: criteria provided, multiple submitters, no conflicts (2 of 4 stars). 2 submissions from 2 submitters: Uncertain significance (2). Last evaluated 2026-07-10.

Conditions:
Inborn genetic diseases. Identifiers: MedGen C0950123, MeSH D030342.

Allele frequency attached by ClinVar (database versions not stated): gnomAD 0.00005 and 0.00006; ExAC 0.00001.

Submissions (2):

Ambry Genetics
Classification: Uncertain significance for Inborn genetic diseases. Last evaluated: 2026-07-10. Review status: criteria provided, single submitter. Criteria: Ambry Variant Classification Scheme 2023. Collection method: clinical testing. Allele origin: germline.

Labcorp Genetics (formerly Invitae), Labcorp
Classification: Uncertain significance. Last evaluated: 2024-10-08. Review status: criteria provided, single submitter. Criteria: Invitae Variant Classification Sherloc (09022015). Collection method: clinical testing. Allele origin: germline.
Comment: This sequence change replaces tryptophan, which is neutral and slightly polar, with cysteine, which is neutral and slightly polar, at codon 519 of the PLK4 protein (p.Trp519Cys). This variant is not present in population databases (gnomAD no frequency). This variant has not been reported in the literature in individuals affected with PLK4-related conditions. ClinVar contains an entry for this variant (Variation ID: 1388219). An algorithm developed to predict the effect of missense changes on protein structure and function (PolyPhen-2) suggests that this variant¬†is likely to be tolerated. In summary, the available evidence is currently insufficient to determine the role of this variant in disease. Therefore, it has been classified as a Variant of Uncertain Significance.

NM_014264.5(PLK4):c.1557G>C (p.Trp519Cys)

Gene: PLK4 (polo like kinase 4; plus strand). Cytogenetic location: 4q28.1.
Variant type: single nucleotide variant.
Coding change: c.1557G>C on transcript NM_014264.5 (MANE Select); coding-DNA position 1557, G replaced by C.
Protein change: p.Trp519Cys; replaces tryptophan 519 with cysteine.
Molecular consequence: missense variant.
Genome position (GRCh38, 1-based): chr4:127,889,963, G>C. VCF-style: chr4-127889963-G-C. GRCh37 (hg19) VCF-style: chr4-128811118-G-C.
Other names: c.1461G>C, p.Trp487Cys (NM_001190799.2); c.1434G>C, p.Trp478Cys (NM_001190801.2); c.1557G>C (NM_014264.4); short protein forms W487C, W519C, W478C.
Identifiers: ClinVar variation 1388219 (VCV001388219.7), dbSNP rs773098756, ClinGen allele CA3076806.